The following is an entry in ClinVar:

NM_000112.4(SLC26A2):c.650A>G (p.Tyr217Cys)

Gene: SLC26A2 (solute carrier family 26 member 2; plus strand). Cytogenetic location: 5q32.
Variant type: single nucleotide variant.
Coding change: c.650A>G on transcript NM_000112.4 (MANE Select); coding-DNA position 650, A replaced by G.
Protein change: p.Tyr217Cys; replaces tyrosine 217 with cysteine.
Molecular consequence: missense variant.
Genome position (GRCh38, 1-based): chr5:149,978,302, A>G. VCF-style: chr5-149978302-A-G. GRCh37 (hg19) VCF-style: chr5-149357865-A-G.
Other names: short protein forms Y217C.
Identifiers: ClinVar variation 2054517 (VCV002054517.3), dbSNP rs377095681, ClinGen allele CA3505287.
Genomic context (GRCh38, chr5:149,978,302, plus strand): 5'-TTTCAAATGGGAGCACATTATTAAATCATACATCAGACAGGATATGTGACAAAAGTTGCT[A>G]TGCAATTATGGTTGGCAGCACTGTAACCTTTATAGCTGGAGTTTATCAGGTAAGCAGCAA-3'
Protein context (NP_000103.2, residues 207-227): TSDRICDKSC[Tyr217Cys]AIMVGSTVTF

ClinVar aggregate classification (germline): Uncertain significance. Review status: criteria provided, multiple submitters, no conflicts (2 of 4 stars). 2 submissions from 2 submitters: Uncertain significance (2). Last evaluated 2023-05-30.

Conditions:
Inborn genetic diseases. Identifiers: MedGen C0950123, MeSH D030342.
Achondrogenesis, type IB (ACG1B). Also called: Achondrogenesis Type 1B. Identifiers: Orphanet 932, Orphanet 93298, MedGen C0265274, MONDO:0010966, OMIM 600972.
Multiple epiphyseal dysplasia type 4 (EDM4). Also called: Multiple Epiphyseal Dysplasia, Recessive; MULTIPLE EPIPHYSEAL DYSPLASIA WITH BILAYERED PATELLAE; MULTIPLE EPIPHYSEAL DYSPLASIA WITH CLUBFOOT; MULTIPLE EPIPHYSEAL DYSPLASIA, AUTOSOMAL RECESSIVE; SLC26A2-Related Multiple Epiphyseal Dysplasia. Identifiers: Orphanet 93307, MedGen C1847593, MONDO:0009189, OMIM 226900.
Atelosteogenesis type II (AO2). Also called: NEONATAL OSSEOUS DYSPLASIA I; Neonatal osseous dysplasia 1; SLC26A2-Related Atelosteogenesis. Identifiers: Orphanet 56304, MedGen C1850554, MONDO:0009727, OMIM 256050.
Diastrophic dysplasia (DTD). Also called: Diastrophic dwarfism. Identifiers: Orphanet 628, MedGen C0220726, MONDO:0009107, OMIM 222600.

Allele frequency attached by ClinVar (database versions not stated): gnomAD 0.00011; ESP Exome Variant Server 0.00015; ExAC 0.00018; TOPMed 0.00009.

Submissions (2):

Ambry Genetics
Classification: Uncertain significance for Inborn genetic diseases. Last evaluated: 2023-05-30. Review status: criteria provided, single submitter. Criteria: Ambry Variant Classification Scheme 2023. Collection method: clinical testing. Allele origin: germline.

Labcorp Genetics (formerly Invitae), Labcorp
Classification: Uncertain significance for Atelosteogenesis type II; Multiple epiphyseal dysplasia type 4; Achondrogenesis, type IB; Diastrophic dysplasia. Last evaluated: 2022-02-06. Review status: criteria provided, single submitter. Criteria: Invitae Variant Classification Sherloc (09022015). Collection method: clinical testing. Allele origin: germline.
Comment: This sequence change replaces tyrosine, which is neutral and polar, with cysteine, which is neutral and slightly polar, at codon 217 of the SLC26A2 protein (p.Tyr217Cys). This variant is present in population databases (rs377095681, gnomAD 0.1%). This variant has not been reported in the literature in individuals affected with SLC26A2-related conditions. Algorithms developed to predict the effect of missense changes on protein structure and function are either unavailable or do not agree on the potential impact of this missense change (SIFT: "Deleterious"; PolyPhen-2: "Probably Damaging"; Align-GVGD: "Class C0"). In summary, the available evidence is currently insufficient to determine the role of this variant in disease. Therefore, it has been classified as a Variant of Uncertain Significance.